The following is an entry in ClinVar:

NM_003072.5(SMARCA4):c.2221_2224del (p.Arg741fs)

Gene: SMARCA4 (SWI/SNF related BAF chromatin remodeling complex subunit ATPase 4; plus strand). Cytogenetic location: 19p13.2.
Variant type: Microsatellite.
Coding change: c.2221_2224del on transcript NM_003072.5 (MANE Select); coding-DNA positions 2221 to 2224, 4 bases deleted (AGAG; older notation c.2221_2224delAGAG).
Protein change: p.Arg741fs; shifts the reading frame from arginine 741.
Molecular consequence: frameshift variant. On other transcripts: non-coding transcript variant (1).
Genome position (GRCh38, 1-based): chr19:11,010,478-11,010,481, AGAG deleted; deleting any 4 consecutive bases within chr19:11,010,475-11,010,481 gives the same sequence; the c. name uses the placement nearest the transcript's 3' end. VCF-style (leftmost placement, unchanged base first): chr19-11010474-TGAGA-T. GRCh37 (hg19) VCF-style: chr19-11121150-TGAGA-T.
Other names: c.2221_2224del, p.Arg741fs (NM_001128844.3, NM_001128845.2, NM_001128846.2 and 6 more transcripts); short protein forms R741fs.
Identifiers: ClinVar variation 3445968 (VCV003445968.1).

ClinVar aggregate classification (germline): Pathogenic (1 of 4 stars; one submission).

Conditions:
Hereditary cancer-predisposing syndrome. Also called: Tumor predisposition; Neoplastic Syndromes, Hereditary; Hereditary neoplastic syndrome; Hereditary Cancer Syndrome. Identifiers: Orphanet 140162, MedGen C0027672, MeSH D009386, MONDO:0015356.

Submission:

Ambry Genetics
Classification: Pathogenic for Hereditary cancer-predisposing syndrome. Last evaluated: 2024-07-11. Review status: criteria provided, single submitter. Criteria: Ambry Variant Classification Scheme 2023. Collection method: clinical testing. Allele origin: germline.
Comment: The c.2221_2224delAGAG pathogenic mutation, located in coding exon 14 of the SMARCA4 gene, results from a deletion of 4 nucleotides at nucleotide positions 2221 to 2224, causing a translational frameshift with a predicted alternate stop codon (p.R741Wfs*32). This variant is considered to be rare based on population cohorts in the Genome Aggregation Database (gnomAD). This alteration is expected to result in loss of function by premature protein truncation or nonsense-mediated mRNA decay. Loss-of-function variants in SMARCA4 are known to cause rhabdoid tumor predisposition syndrome including small cell carcinoma of the ovary-hypercalcemic type (SCCOHT); however, such associations with neurodevelopmental disorders are exceedingly rare (Kosho T et al. Am J Med Genet C Semin Med Genet. 2014 Sep;166C(3):262-75; Jelinic P et al. Nat Genet. 2014 May;46(5):424-6). Based on the supporting evidence, this alteration is pathogenic for rhabdoid tumor predisposition syndrome; however, the association of this alteration with Coffin-Siris syndrome is unlikely.